The following is an entry in ClinVar:

ClinVar aggregate classification (germline): Uncertain significance (1 of 4 stars; one submission).

Conditions:
Peroxisome biogenesis disorder. Identifiers: Orphanet 79189, MedGen C1832200, MONDO:0019234. Disease mechanism: loss of function.

Allele frequency attached by ClinVar (database versions not stated): ExAC 0.00001; gnomAD 0.00001; 1000 Genomes Project 30x 0.00016; 1000 Genomes Project 0.00020.
gnomAD v4.1: 2 of 1,613,082 alleles (0.00012%); highest among the groups gnomAD compares: East Asian, 0.0045%; no homozygotes.

Submission:

Labcorp Genetics (formerly Invitae), Labcorp
Classification: Uncertain significance for Peroxisome biogenesis disorder. Last evaluated: 2025-01-06. Review status: criteria provided, single submitter. Criteria: Invitae Variant Classification Sherloc (09022015). Collection method: clinical testing. Allele origin: germline.
Comment: This sequence change falls in intron 10 of the PEX16 gene. It does not directly change the encoded amino acid sequence of the PEX16 protein. It affects a nucleotide within the consensus splice site. This variant is present in population databases (rs560563187, gnomAD 0.006%). This variant has not been reported in the literature in individuals affected with PEX16-related conditions. ClinVar contains an entry for this variant (Variation ID: 1945934). Variants that disrupt the consensus splice site are a relatively common cause of aberrant splicing (PMID: 17576681, 9536098). Algorithms developed to predict the effect of sequence changes on RNA splicing suggest that this variant is not likely to affect RNA splicing. In summary, the available evidence is currently insufficient to determine the role of this variant in disease. Therefore, it has been classified as a Variant of Uncertain Significance.

Literature cited by the submitters: PubMed 17576681; PubMed 9536098.

NM_004813.4(PEX16):c.952+6C>T

Gene: PEX16 (peroxisomal biogenesis factor 16; minus strand). Cytogenetic location: 11p11.2.
Variant type: single nucleotide variant.
Coding change: c.952+6C>T on transcript NM_004813.4 (MANE Select); 6 bases into the intron after coding-DNA position 952, C replaced by T.
Molecular consequence: intron variant.
Genome position (GRCh38, 1-based): chr11:45,910,892, G>A on the plus strand (C>T on the coding strand, the complement: PEX16 is on the minus strand). VCF-style: chr11-45910892-G-A. GRCh37 (hg19) VCF-style: chr11-45932443-G-A.
Other names: c.952+6C>T (NM_057174.3).
Identifiers: ClinVar variation 1945934 (VCV001945934.4), dbSNP rs560563187, ClinGen allele CA5959753.